The following is an entry in ClinVar:

NM_020232.5(PSMG2):c.229G>A (p.Val77Met)

Gene: PSMG2 (proteasome assembly chaperone 2; plus strand). Cytogenetic location: 18p11.21.
Variant type: single nucleotide variant.
Coding change: c.229G>A on transcript NM_020232.5 (MANE Select); coding-DNA position 229, G replaced by A.
Protein change: p.Val77Met; replaces valine 77 with methionine.
Molecular consequence: missense variant.
Genome position (GRCh38, 1-based): chr18:12,706,721, G>A. VCF-style: chr18-12706721-G-A. GRCh37 (hg19) VCF-style: chr18-12706720-G-A.
Other names: c.136G>A, p.Val46Met (NM_147163.2); short protein forms V46M, V77M.
Identifiers: ClinVar variation 2017542 (VCV002017542.4), dbSNP rs778783788, ClinGen allele CA8898313.

ClinVar aggregate classification (germline): Uncertain significance (1 of 4 stars; one submission).

Allele frequency attached by ClinVar (database versions not stated): ExAC 0.00002.
gnomAD v4.1: 9 of 1,597,802 alleles (0.00056%); highest among the groups gnomAD compares: East Asian, 0.016%; no homozygotes.

Submission:

Labcorp Genetics (formerly Invitae), Labcorp
Classification: Uncertain significance. Last evaluated: 2022-08-07. Review status: criteria provided, single submitter. Criteria: Invitae Variant Classification Sherloc (09022015). Collection method: clinical testing. Allele origin: germline.
Comment: This variant is present in population databases (rs778783788, gnomAD 0.03%). In summary, the available evidence is currently insufficient to determine the role of this variant in disease. Therefore, it has been classified as a Variant of Uncertain Significance. Variants that disrupt the consensus splice site are a relatively common cause of aberrant splicing (PMID: 17576681, 9536098). Algorithms developed to predict the effect of sequence changes on RNA splicing suggest that this variant may create or strengthen a splice site. Algorithms developed to predict the effect of missense changes on protein structure and function are either unavailable or do not agree on the potential impact of this missense change (SIFT: "Deleterious"; PolyPhen-2: "Probably Damaging"; Align-GVGD: "Class C0"). This variant has not been reported in the literature in individuals affected with PSMG2-related conditions. This sequence change replaces valine, which is neutral and non-polar, with methionine, which is neutral and non-polar, at codon 77 of the PSMG2 protein (p.Val77Met). This variant also falls at the last nucleotide of exon 2, which is part of the consensus splice site for this exon.

Literature cited by the submitters: PubMed 17576681; PubMed 9536098.